The following is an entry in ClinVar:

ClinVar aggregate classification (germline): Uncertain significance (1 of 4 stars; one submission).

Allele frequency attached by ClinVar (database versions not stated): gnomAD exomes below 0.00001; TOPMed below 0.00001; ExAC 0.00001; gnomAD 0.00001.
gnomAD v4.1: 2 of 1,611,946 alleles (0.00012%); highest among the groups gnomAD compares: East Asian, 0.0022%; no homozygotes.

Submission:

Labcorp Genetics (formerly Invitae), Labcorp
Classification: Uncertain significance. Last evaluated: 2022-07-21. Review status: criteria provided, single submitter. Criteria: Invitae Variant Classification Sherloc (09022015). Collection method: clinical testing. Allele origin: germline.
Comment: In summary, the available evidence is currently insufficient to determine the role of this variant in disease. Therefore, it has been classified as a Variant of Uncertain Significance. Algorithms developed to predict the effect of missense changes on protein structure and function output the following: SIFT: "Tolerated"; PolyPhen-2: "Not Available"; Align-GVGD: "Class C0". The arginine amino acid residue is found in multiple mammalian species, which suggests that this missense change does not adversely affect protein function. This variant has not been reported in the literature in individuals affected with DNA2-related conditions. This variant is present in population databases (rs775551336, gnomAD 0.007%). This sequence change replaces glutamine, which is neutral and polar, with arginine, which is basic and polar, at codon 710 of the DNA2 protein (p.Gln710Arg).

NM_001080449.3(DNA2):c.2129A>G (p.Gln710Arg)

Gene: DNA2 (DNA replication helicase/nuclease 2; minus strand). Cytogenetic location: 10q21.3.
Variant type: single nucleotide variant.
Coding change: c.2129A>G on transcript NM_001080449.3 (MANE Select); coding-DNA position 2129, A replaced by G.
Protein change: p.Gln710Arg; replaces glutamine 710 with arginine.
Molecular consequence: missense variant. On other transcripts: non-coding transcript variant (1).
Genome position (GRCh38, 1-based): chr10:68,430,515, T>C on the plus strand (A>G on the coding strand, the complement: DNA2 is on the minus strand). VCF-style: chr10-68430515-T-C. GRCh37 (hg19) VCF-style: chr10-70190272-T-C.
Other names: short protein forms Q710R.
Identifiers: ClinVar variation 1925544 (VCV001925544.5), dbSNP rs775551336, ClinGen allele CA5524890.